The following is an entry in ClinVar:

NM_001244008.2(KIF1A):c.1601G>A (p.Arg534Lys)

Gene: KIF1A (kinesin family member 1A; minus strand). Cytogenetic location: 2q37.3.
Variant type: single nucleotide variant.
Coding change: c.1601G>A on transcript NM_001244008.2 (MANE Select); coding-DNA position 1601, G replaced by A.
Protein change: p.Arg534Lys; replaces arginine 534 with lysine.
Molecular consequence: missense variant.
Genome position (GRCh38, 1-based): chr2:240,766,998, C>T on the plus strand (G>A on the coding strand, the complement: KIF1A is on the minus strand). VCF-style: chr2-240766998-C-T. GRCh37 (hg19) VCF-style: chr2-241706415-C-T.
Other names: c.1601G>A, p.Arg534Lys (NM_001320705.2, NM_001330289.2, NM_001379638.1); c.1676G>A, p.Arg559Lys (NM_001330290.2, NM_001379631.1, NM_001379634.1 and 2 more transcripts); c.1574G>A, p.Arg525Lys (NM_001379632.1, NM_001379633.1, NM_001379636.1 and 10 more transcripts); c.1649G>A, p.Arg550Lys (NM_001379637.1, NM_001379648.1); short protein forms R525K, R534K, R550K, R559K.
Identifiers: ClinVar variation 3762509 (VCV003762509.2).

ClinVar aggregate classification (germline): Uncertain significance (1 of 4 stars; one submission).

Conditions:
Neuropathy, hereditary sensory, type 2C. Also called: KIF1A-Related HSAN2 (HSAN2C); Hereditary sensory and autonomic neuropathy type IIC. Identifiers: Orphanet 970, MedGen C3280168, MONDO:0013634, OMIM 614213.
Hereditary spastic paraplegia 30. Identifiers: Orphanet 101010, MedGen C5235139, MONDO:0012476.
Intellectual disability, autosomal dominant 9 (NESCAVS). Also called: KIF1A-Related Neurodevelopmental Disorder; NESCAV SYNDROME. Identifiers: Orphanet 662367, MedGen C5393830, MONDO:0013656, OMIM 614255.

gnomAD v4.1: 3 of 1,611,704 alleles (0.00019%); highest among the groups gnomAD compares: Non-Finnish European, 0.00025%; no homozygotes.

Submission:

Labcorp Genetics (formerly Invitae), Labcorp
Classification: Uncertain significance for Hereditary spastic paraplegia 30; Neuropathy, hereditary sensory, type 2C; Intellectual disability, autosomal dominant 9. Last evaluated: 2024-08-11. Review status: criteria provided, single submitter. Criteria: Invitae Variant Classification Sherloc (09022015). Collection method: clinical testing. Allele origin: germline.
Comment: This sequence change replaces arginine, which is basic and polar, with lysine, which is basic and polar, at codon 525 of the KIF1A protein (p.Arg525Lys). This variant is not present in population databases (gnomAD no frequency). This variant has not been reported in the literature in individuals affected with KIF1A-related conditions. Advanced modeling of protein sequence and biophysical properties (such as structural, functional, and spatial information, amino acid conservation, physicochemical variation, residue mobility, and thermodynamic stability) performed at Invitae indicates that this missense variant is expected to disrupt KIF1A protein function with a positive predictive value of 80%. In summary, the available evidence is currently insufficient to determine the role of this variant in disease. Therefore, it has been classified as a Variant of Uncertain Significance.